The following is an entry in ClinVar:

ClinVar aggregate classification (germline): Benign/Likely benign. Review status: criteria provided, multiple submitters, no conflicts (2 of 4 stars). 2 submissions from 2 submitters: Benign (1); Likely benign (1). Last evaluated 2024-07-25.

Conditions:
Hereditary cancer-predisposing syndrome. Also called: Hereditary Cancer Syndrome; Hereditary neoplastic syndrome; Neoplastic Syndromes, Hereditary; Tumor predisposition. Identifiers: Orphanet 140162, MedGen C0027672, MeSH D009386, MONDO:0015356.
Familial cancer of breast. Also called: BREAST CANCER, FAMILIAL; Hereditary breast cancer; hereditary breast carcinoma. Identifiers: Orphanet 227535, MedGen C0346153, MONDO:0016419, OMIM 114480. Disease mechanism: loss of function.

Allele frequency attached by ClinVar (database versions not stated): gnomAD exomes 0.00001.
gnomAD v4.1: 4 of 1,613,890 alleles (0.00025%); highest among the groups gnomAD compares: South Asian, 0.0044%; no homozygotes.

Submissions (2):

Myriad Genetics, Inc.
Classification: Benign for Familial cancer of breast. Last evaluated: 2024-07-25. Review status: criteria provided, single submitter. Criteria: Myriad Autosomal Dominant, Autosomal Recessive and X-Linked Classification Criteria (2023). Collection method: clinical testing. Allele origin: unknown.
Comment: This variant is considered benign. This variant is a silent/synonymous amino acid change and it is not expected to impact splicing.

Ambry Genetics
Classification: Likely benign for Hereditary cancer-predisposing syndrome. Last evaluated: 2020-05-23. Review status: criteria provided, single submitter. Criteria: Ambry Variant Classification Scheme 2023. Collection method: clinical testing. Allele origin: germline.

NM_000465.4(BARD1):c.1521G>A (p.Val507=)

Gene: BARD1 (BRCA1 associated RING domain 1; minus strand). Cytogenetic location: 2q35.
Variant type: single nucleotide variant.
Coding change: c.1521G>A on transcript NM_000465.4 (MANE Select); coding-DNA position 1521, G replaced by A.
Protein change: p.Val507=; no amino-acid change (valine 507 retained).
Molecular consequence: synonymous variant. On other transcripts: non-coding transcript variant (3), intron variant (3).
Genome position (GRCh38, 1-based): chr2:214,767,529, C>T on the plus strand (G>A on the coding strand, the complement: BARD1 is on the minus strand). VCF-style: chr2-214767529-C-T. GRCh37 (hg19) VCF-style: chr2-215632253-C-T.
Other names: c.1464G>A, p.Val488= (NM_001282543.2); c.159-14974G>A (NM_001282548.2); c.216-14974G>A (NM_001282545.2); c.364+24768G>A (NM_001282549.2).
Identifiers: ClinVar variation 1774437 (VCV001774437.3), dbSNP rs1275314018, ClinGen allele CA431129240.
Genomic context (GRCh38, chr2:214,767,529, plus strand): 5'-TTGAACTACTTACACAGCATTTCTGGAGGCTCCATAGGAAAGTAACAGCTTGACTATATC[C>T]ACATGCCCATTCTTGGCTGCATCGTGAAGTGGTGAGTCATTTTGATACCCGGTGGTGTTC-3'
Protein context (NP_000456.2, residues 497-517): PLHDAAKNGH[Val507=]DIVKLLLSYG